The following is an entry in ClinVar:

NM_000059.4(BRCA2):c.8637C>A (p.Asn2879Lys)

Gene: BRCA2 (BRCA2 DNA repair associated; plus strand). Cytogenetic location: 13q13.1.
Variant type: single nucleotide variant.
Coding change: c.8637C>A on transcript NM_000059.4 (MANE Select); coding-DNA position 8637, C replaced by A.
Protein change: p.Asn2879Lys; replaces asparagine 2879 with lysine.
Molecular consequence: missense variant.
Genome position (GRCh38, 1-based): chr13:32,376,674, C>A. VCF-style: chr13-32376674-C-A. GRCh37 (hg19) VCF-style: chr13-32950811-C-A.
Other names: short protein forms N2879K.
Identifiers: ClinVar variation 822619 (VCV000822619.8), dbSNP rs775564742, ClinGen allele CA387754618.

ClinVar aggregate classification (germline): Conflicting classifications of pathogenicity. Review status: criteria provided, conflicting classifications (1 of 4 stars). 2 submissions from 2 submitters: Uncertain significance (1); Likely benign (1). Last evaluated 2025-05-15.

Conditions:
Hereditary cancer-predisposing syndrome. Also called: Tumor predisposition; Hereditary Cancer Syndrome; Neoplastic Syndromes, Hereditary; Hereditary neoplastic syndrome. Identifiers: Orphanet 140162, MedGen C0027672, MeSH D009386, MONDO:0015356.
Hereditary breast ovarian cancer syndrome. Also called: Hereditary breast and ovarian cancer; Breast and ovarian cancer; Hereditary breast and/or ovarian cancer syndrome; Hereditary breast and ovarian cancer syndrome; BRCA1- and BRCA2-Associated Hereditary Breast and Ovarian Cancer; Hereditary breast and ovarian cancer syndrome (HBOC). Identifiers: Orphanet 145, MedGen C0677776, MeSH D061325, MONDO:0003582. Disease mechanism: loss of function.

Submissions (2):

Ambry Genetics
Classification: Likely benign for Hereditary cancer-predisposing syndrome. Last evaluated: 2025-05-15. Review status: criteria provided, single submitter. Criteria: Ambry Variant Classification Scheme 2023. Collection method: clinical testing. Allele origin: germline.

Labcorp Genetics (formerly Invitae), Labcorp
Classification: Uncertain significance for Hereditary breast ovarian cancer syndrome. Last evaluated: 2023-01-26. Review status: criteria provided, single submitter. Criteria: Invitae Variant Classification Sherloc (09022015). Collection method: clinical testing. Allele origin: germline.
Comment: In summary, the available evidence is currently insufficient to determine the role of this variant in disease. Therefore, it has been classified as a Variant of Uncertain Significance. Advanced modeling of protein sequence and biophysical properties (such as structural, functional, and spatial information, amino acid conservation, physicochemical variation, residue mobility, and thermodynamic stability) performed at Invitae indicates that this missense variant is not expected to disrupt BRCA2 protein function. ClinVar contains an entry for this variant (Variation ID: 822619). This variant has not been reported in the literature in individuals affected with BRCA2-related conditions. This variant is not present in population databases (gnomAD no frequency). This sequence change replaces asparagine, which is neutral and polar, with lysine, which is basic and polar, at codon 2879 of the BRCA2 protein (p.Asn2879Lys).